The following is an entry in ClinVar:

NM_001170629.2(CHD8):c.3201G>T (p.Lys1067Asn)

Gene: CHD8 (chromodomain helicase DNA binding protein 8; minus strand). Cytogenetic location: 14q11.2.
Variant type: single nucleotide variant.
Coding change: c.3201G>T on transcript NM_001170629.2 (MANE Select); coding-DNA position 3201, G replaced by T.
Protein change: p.Lys1067Asn; replaces lysine 1067 with asparagine.
Molecular consequence: missense variant.
Genome position (GRCh38, 1-based): chr14:21,405,315, C>A on the plus strand (G>T on the coding strand, the complement: CHD8 is on the minus strand). VCF-style: chr14-21405315-C-A. GRCh37 (hg19) VCF-style: chr14-21873474-C-A.
Other names: c.2364G>T, p.Lys788Asn (NM_020920.4); short protein forms K1067N, K788N.
Identifiers: ClinVar variation 4535122 (VCV004535122.6).

ClinVar aggregate classification (germline): Uncertain significance (1 of 4 stars; one submission).

Submission:

CeGaT Center for Human Genetics Tuebingen
Classification: Uncertain significance. Last evaluated: 2025-10-01. Review status: criteria provided, single submitter. Criteria: CeGaT Center For Human Genetics Tuebingen Variant Classification Criteria Version 2. Collection method: clinical testing. Allele origin: germline. Affected: yes. Observed: 1 variant allele.
Comment: CHD8: PM2, PP2